The following is an entry in ClinVar:

ClinVar aggregate classification (germline): Uncertain significance (1 of 4 stars; one submission).

Conditions:
Inborn genetic diseases. Identifiers: MedGen C0950123, MeSH D030342.

Submission:

Ambry Genetics
Classification: Uncertain significance for Inborn genetic diseases. Last evaluated: 2022-03-17. Review status: criteria provided, single submitter. Criteria: Ambry Variant Classification Scheme 2023. Collection method: clinical testing. Allele origin: germline.
Comment: The c.662+5G>A intronic alteration consists of a G to A substitution 5 nucleotides after exon 7 of the CDK5RAP2 gene. Based on insufficient or conflicting evidence, the clinical significance of this alteration remains unclear.

NM_018249.6(CDK5RAP2):c.662+5G>A

Gene: CDK5RAP2 (CDK5 regulatory subunit associated protein 2; minus strand). Cytogenetic location: 9q33.2.
Variant type: single nucleotide variant.
Coding change: c.662+5G>A on transcript NM_018249.6 (MANE Select); 5 bases into the intron after coding-DNA position 662, G replaced by A.
Molecular consequence: intron variant.
Genome position (GRCh38, 1-based): chr9:120,536,367, C>T on the plus strand (G>A on the coding strand, the complement: CDK5RAP2 is on the minus strand). VCF-style: chr9-120536367-C-T. GRCh37 (hg19) VCF-style: chr9-123298645-C-T.
Other names: c.662+5G>A (NM_001272039.2, NM_001011649.3).
Identifiers: ClinVar variation 2275526 (VCV002275526.2), dbSNP rs2539677452, ClinGen allele CA2580079488.